The following is an entry in ClinVar:

ClinVar aggregate classification (germline): Pathogenic/Likely pathogenic. Review status: criteria provided, multiple submitters, no conflicts (2 of 4 stars). 3 submissions from 3 submitters: Pathogenic (1); Likely pathogenic (2). Last evaluated 2026-08-01.

Conditions:
Arrhythmogenic right ventricular cardiomyopathy (ARVD). Also called: Cardiomyopathy, ARVC; Arrhythmogenic cardiomyopathy; Arrhythmogenic Right Ventricular Cardiomyopathy (ARVC); Arrhythmogenic right ventricular dysplasia. Identifiers: Orphanet 247, MedGen C0349788, MeSH D019571, MONDO:0016587. Disease mechanism: loss of function. Inheritance: Various modes of inheritance.
Cardiomyopathy (CMYO). Also called: Cardiomyopathies. Identifiers: Orphanet 167848, MedGen C0878544, MONDO:0004994, HP:0001638. Inheritance: Various modes of inheritance.

Allele frequency attached by ClinVar (database versions not stated): gnomAD exomes below 0.00001.

Submissions (3):

CeGaT Center for Human Genetics Tuebingen
Classification: Pathogenic. Last evaluated: 2026-08-01. Review status: criteria provided, single submitter. Criteria: CeGaT Center For Human Genetics Tuebingen Variant Classification Criteria Version 2. Collection method: clinical testing. Allele origin: germline. Affected: yes. Observed: 1 variant allele.
Comment: PKP2: PVS1, PM2

CHEO Genetics Diagnostic Laboratory, Children's Hospital of Eastern Ontario
Classification: Likely pathogenic for Cardiomyopathy. Last evaluated: 2022-01-14. Review status: criteria provided, single submitter. Criteria: ACMG Guidelines, 2015. Collection method: clinical testing. Allele origin: germline.

Molecular Diagnostic Laboratory for Inherited Cardiovascular Disease, Montreal Heart Institute
Classification: Likely pathogenic for Familial isolated arrhythmogenic right ventricular dysplasia. Last evaluated: 2016-05-11. Review status: criteria provided, single submitter. Criteria: ACMG Guidelines, 2015. Collection method: clinical testing. Allele origin: germline. Affected: yes.

NM_001005242.3(PKP2):c.1785_1803dup (p.Gly602Ter)

Gene: PKP2 (plakophilin 2; minus strand). Cytogenetic location: 12p11.21.
Variant type: Duplication.
Coding change: c.1785_1803dup on transcript NM_001005242.3 (MANE Select); coding-DNA positions 1785 to 1803, 19 bases duplicated (TGACAACAACAAAAGTATT).
Protein change: p.Gly602Ter; replaces glycine 602 with a stop codon.
Molecular consequence: nonsense.
Genome position (GRCh38, 1-based): chr12:32,822,503-32,822,521, AATACTTTTGTTGTTGTCA duplicated on the plus strand (TGACAACAACAAAAGTATT on the coding strand, the reverse complement: PKP2 is on the minus strand). VCF-style (leftmost placement, unchanged base first): chr12-32822502-C-CAATACTTTTGTTGTTGTCA. GRCh37 (hg19) VCF-style: chr12-32975436-C-CAATACTTTTGTTGTTGTCA.
Other names: c.1917_1935dup, p.Gly646Ter (NM_004572.4); short protein forms G602*, G646*.
Identifiers: ClinVar variation 523703 (VCV000523703.5), dbSNP rs1555142971, ClinGen allele CA658797867.